The following is an entry in ClinVar:

ClinVar aggregate classification (germline): Uncertain significance (1 of 4 stars; one submission).

Submission:

Dasa
Classification: Uncertain significance. Last evaluated: 2026-03-05. Review status: criteria provided, single submitter. Criteria: DASA Assertion Criteria. Collection method: clinical testing. Allele origin: germline.
Comment: NM_012469.4(PRPF6):c.2278dup (p.Thr760Asnfs*57) is a frameshift variant in PRPF6 predicted to alter the reading frame and introduce a premature termination codon. This variant is rare in population databases. The currently available literature and clinical evidence are not sufficient to establish a definitive association between this variant and the reported condition. Therefore, this variant is classified as a variant of uncertain significance.

NM_012469.4(PRPF6):c.2278dup (p.Thr760fs)

Gene: PRPF6 (pre-mRNA processing factor 6; plus strand). Cytogenetic location: 20q13.33.
Variant type: Duplication.
Coding change: c.2278dup on transcript NM_012469.4 (MANE Select); coding-DNA position 2278, one base duplicated (A; older notation c.2278dupA).
Protein change: p.Thr760fs; shifts the reading frame from threonine 760.
Molecular consequence: frameshift variant.
Genome position (GRCh38, 1-based): chr20:64,027,675, A duplicated. VCF-style (leftmost placement, unchanged base first): chr20-64027674-T-TA. GRCh37 (hg19) VCF-style: chr20-62659027-T-TA.
Other names: short protein forms T760fs.
Identifiers: ClinVar variation 4883947 (VCV004883947.2).
Genomic context (GRCh38, chr20:64,027,674, plus strand): 5'-TCCCCACTCCACACCCCTGTGGCTTTTGCTCTCTCGGCTGGAGGAGAAGATTGGGCAGCT[T>TA]ACTCGAGCACGGGCCATTTTGGAAAAGTCTCGTCTGAAGAACCCAAAGAACCCTGGGCTG-3'